The following is an entry in ClinVar:

NM_006361.6(HOXB13):c.232G>T (p.Val78Leu)

Gene: HOXB13 (homeobox B13; minus strand). Cytogenetic location: 17q21.32.
Variant type: single nucleotide variant.
Coding change: c.232G>T on transcript NM_006361.6 (MANE Select); coding-DNA position 232, G replaced by T.
Protein change: p.Val78Leu; replaces valine 78 with leucine.
Molecular consequence: missense variant.
Genome position (GRCh38, 1-based): chr17:48,728,362, C>A on the plus strand (G>T on the coding strand, the complement: HOXB13 is on the minus strand). VCF-style: chr17-48728362-C-A. GRCh37 (hg19) VCF-style: chr17-46805724-C-A.
Other names: c.232G>T (NM_006361.5); short protein forms V78L.
Identifiers: ClinVar variation 1002914 (VCV001002914.10), dbSNP rs746542615, ClinGen allele CA8634035.

ClinVar aggregate classification (germline): Conflicting classifications of pathogenicity. Review status: criteria provided, conflicting classifications (1 of 4 stars). 2 submissions from 2 submitters: Uncertain significance (1); Likely benign (1). Last evaluated 2026-08-27.

Conditions:
Hereditary cancer-predisposing syndrome. Also called: Tumor predisposition; Hereditary Cancer Syndrome; Hereditary neoplastic syndrome; Neoplastic Syndromes, Hereditary. Identifiers: Orphanet 140162, MedGen C0027672, MeSH D009386, MONDO:0015356.

Allele frequency attached by ClinVar (database versions not stated): ExAC 0.00002.

Submissions (2):

Ambry Genetics
Classification: Likely benign for Hereditary cancer-predisposing syndrome. Last evaluated: 2026-08-27. Review status: criteria provided, single submitter. Criteria: Ambry Variant Classification Scheme 2023. Collection method: clinical testing. Allele origin: germline.

Labcorp Genetics (formerly Invitae), Labcorp
Classification: Uncertain significance. Last evaluated: 2025-02-12. Review status: criteria provided, single submitter. Criteria: Invitae Variant Classification Sherloc (09022015). Collection method: clinical testing. Allele origin: germline.
Comment: This sequence change replaces valine, which is neutral and non-polar, with leucine, which is neutral and non-polar, at codon 78 of the HOXB13 protein (p.Val78Leu). This variant is present in population databases (rs746542615, gnomAD 0.003%). This variant has not been reported in the literature in individuals affected with HOXB13-related conditions. ClinVar contains an entry for this variant (Variation ID: 1002914). Invitae Evidence Modeling of protein sequence and biophysical properties (such as structural, functional, and spatial information, amino acid conservation, physicochemical variation, residue mobility, and thermodynamic stability) indicates that this missense variant is not expected to disrupt HOXB13 protein function with a negative predictive value of 80%. In summary, the available evidence is currently insufficient to determine the role of this variant in disease. Therefore, it has been classified as a Variant of Uncertain Significance.